The following is an entry in ClinVar:

NM_000071.3(CBS):c.1448T>C (p.Ile483Thr)

Gene: CBS (cystathionine beta-synthase; minus strand). Cytogenetic location: 21q22.3.
Variant type: single nucleotide variant.
Coding change: c.1448T>C on transcript NM_000071.3 (MANE Select); coding-DNA position 1448, T replaced by C.
Protein change: p.Ile483Thr; replaces isoleucine 483 with threonine.
Molecular consequence: missense variant.
Genome position (GRCh38, 1-based): chr21:43,058,164, A>G on the plus strand (T>C on the coding strand, the complement: CBS is on the minus strand). VCF-style: chr21-43058164-A-G. GRCh37 (hg19) VCF-style: chr21-44478274-A-G.
Other names: c.1448T>C, p.Ile483Thr (NM_001178008.3, NM_001178009.3, NM_001320298.2); c.1133T>C, p.Ile378Thr (NM_001321072.1); short protein forms I378T, I483T.
Identifiers: ClinVar variation 1973382 (VCV001973382.2), dbSNP rs746393838, ClinGen allele CA321687420.

ClinVar aggregate classification (germline): Uncertain significance (1 of 4 stars; one submission).

Conditions:
HYPERHOMOCYSTEINEMIA, THROMBOTIC, CBS-RELATED. Identifiers: MedGen C3150344, OMIM 236200.

Allele frequency attached by ClinVar (database versions not stated): ExAC 0.00002.

Submission:

Labcorp Genetics (formerly Invitae), Labcorp
Classification: Uncertain significance for HYPERHOMOCYSTEINEMIA, THROMBOTIC, CBS-RELATED. Last evaluated: 2021-09-02. Review status: criteria provided, single submitter. Criteria: Invitae Variant Classification Sherloc (09022015). Collection method: clinical testing. Allele origin: germline.
Comment: This sequence change replaces isoleucine with threonine at codon 483 of the CBS protein (p.Ile483Thr). The isoleucine residue is weakly conserved and there is a moderate physicochemical difference between isoleucine and threonine. This variant is present in population databases (rs746393838, ExAC 0.009%). This variant has not been reported in the literature in individuals affected with CBS-related conditions. Algorithms developed to predict the effect of missense changes on protein structure and function are either unavailable or do not agree on the potential impact of this missense change (SIFT: "Deleterious"; PolyPhen-2: "Benign"; Align-GVGD: "Class C0"). In summary, the available evidence is currently insufficient to determine the role of this variant in disease. Therefore, it has been classified as a Variant of Uncertain Significance.